The following is an entry in ClinVar:

NC_000017.11:g.(?_82079123)_(82083659_?)dup

Gene: FASN (fatty acid synthase; minus strand). Cytogenetic location: 17q25.3.
Variant type: Duplication.
Identifiers: ClinVar variation 831904 (VCV000831904.3).

ClinVar aggregate classification (germline): Uncertain significance (1 of 4 stars; one submission).

Conditions:
Epileptic encephalopathy. Identifiers: MedGen C0543888, HP:0200134.

Submission:

Labcorp Genetics (formerly Invitae), Labcorp
Classification: Uncertain significance for Epileptic encephalopathy. Last evaluated: 2020-06-12. Review status: criteria provided, single submitter. Criteria: Invitae Variant Classification Sherloc (09022015). Collection method: clinical testing. Allele origin: germline.
Comment: In summary, the available evidence is currently insufficient to determine the role of this variant in disease. Therefore, it has been classified as a Variant of Uncertain Significance. This variant has not been reported in the literature in individuals with FASN-related conditions. This variant results in a copy number gain of the genomic region encompassing exons 31-43 of the FASN gene. The 5' boundary is likely confined to intron 30. The 3' end of this event is unknown as it extends beyond the assayed region for this gene and therefore may encompass additional genes. As the precise location of this event is unknown, it may be in tandem or it may be located elsewhere in the genome.